The following is an entry in ClinVar:

NM_004304.5(ALK):c.4608G>T (p.Glu1536Asp)

Gene: ALK (ALK receptor tyrosine kinase; minus strand). Cytogenetic location: 2p23.2.
Variant type: single nucleotide variant.
Coding change: c.4608G>T on transcript NM_004304.5 (MANE Select); coding-DNA position 4608, G replaced by T.
Protein change: p.Glu1536Asp; replaces glutamic acid 1536 with aspartic acid.
Molecular consequence: missense variant.
Genome position (GRCh38, 1-based): chr2:29,193,479, C>A on the plus strand (G>T on the coding strand, the complement: ALK is on the minus strand). VCF-style: chr2-29193479-C-A. GRCh37 (hg19) VCF-style: chr2-29416345-C-A.
Other names: c.1404G>T, p.Glu468Asp (NM_001353765.2); short protein forms E1536D, E468D.
Identifiers: ClinVar variation 1040760 (VCV001040760.8), dbSNP rs147241767, ClinGen allele CA346460607.

ClinVar aggregate classification (germline): Uncertain significance (1 of 4 stars; one submission).

Conditions:
Neuroblastoma, susceptibility to, 3. Also called: ALK-Related Neuroblastic Tumor Susceptibility. Identifiers: Orphanet 635, MedGen C2751681, MONDO:0013083, OMIM 613014.

Submission:

Labcorp Genetics (formerly Invitae), Labcorp
Classification: Uncertain significance for Neuroblastoma, susceptibility to, 3. Last evaluated: 2020-07-16. Review status: criteria provided, single submitter. Criteria: Invitae Variant Classification Sherloc (09022015). Collection method: clinical testing. Allele origin: germline.
Comment: Algorithms developed to predict the effect of missense changes on protein structure and function output the following: SIFT: "Deleterious"; PolyPhen-2: "Benign"; Align-GVGD: "Class C35". The aspartic acid amino acid residue is found in multiple mammalian species, suggesting that this missense change does not adversely affect protein function. These predictions have not been confirmed by published functional studies and their clinical significance is uncertain. This sequence change replaces glutamic acid with aspartic acid at codon 1536 of the ALK protein (p.Glu1536Asp). The glutamic acid residue is highly conserved and there is a small physicochemical difference between glutamic acid and aspartic acid. This variant is not present in population databases (ExAC no frequency). This variant has not been reported in the literature in individuals with ALK-related conditions. In summary, the available evidence is currently insufficient to determine the role of this variant in disease. Therefore, it has been classified as a Variant of Uncertain Significance.